The following is an entry in ClinVar:

NM_000186.4(CFH):c.2783-10T>C

Gene: CFH (complement factor H; plus strand). Cytogenetic location: 1q31.3.
Variant type: single nucleotide variant.
Coding change: c.2783-10T>C on transcript NM_000186.4 (MANE Select); 10 bases into the intron before coding-DNA position 2783, T replaced by C.
Molecular consequence: intron variant.
Genome position (GRCh38, 1-based): chr1:196,740,609, T>C. VCF-style: chr1-196740609-T-C. GRCh37 (hg19) VCF-style: chr1-196709739-T-C.
Other names: p.?.
Identifiers: ClinVar variation 2989934 (VCV002989934.4), dbSNP rs1222045946, ClinGen allele CA528534043.

ClinVar aggregate classification (germline): Likely benign. Review status: criteria provided, multiple submitters, no conflicts (2 of 4 stars). 2 submissions from 2 submitters: Likely benign (2). Last evaluated 2026-02-01.

Allele frequency attached by ClinVar (database versions not stated): gnomAD 0.00001; TOPMed 0.00003; gnomAD exomes below 0.00001.
gnomAD v4.1: 3 of 1,613,018 alleles (0.00019%); highest among the groups gnomAD compares: Admixed American, 0.005%; no homozygotes.

Submissions (2):

Labcorp Genetics (formerly Invitae), Labcorp
Classification: Likely benign. Last evaluated: 2026-02-01. Review status: criteria provided, single submitter. Criteria: Invitae Variant Classification Sherloc (09022015). Collection method: clinical testing. Allele origin: germline.

Mayo Clinic Laboratories, Mayo Clinic
Classification: Likely benign. Last evaluated: 2025-04-22. Review status: criteria provided, single submitter. Criteria: ACMG Guidelines, 2015. Collection method: clinical testing. Allele origin: germline. Observed: 1 variant allele.
Comment: BP4, BP7, PM2_supporting